The following is an entry in ClinVar:

NM_001206927.2(DNAH8):c.7127_7128insTT (p.Pro2376_Lys2377insTer)

Gene: DNAH8 (dynein axonemal heavy chain 8; plus strand). Cytogenetic location: 6p21.2.
Variant type: Insertion.
Coding change: c.7127_7128insTT on transcript NM_001206927.2 (MANE Select); coding-DNA positions 7127 to 7128, TT inserted.
Protein change: p.Pro2376_Lys2377insTer.
Molecular consequence: frameshift variant.
Genome position: GRCh38 VCF-style: chr6-38872672-C-CTT. GRCh37 (hg19) VCF-style: chr6-38840448-C-CTT.
Other names: c.6476_6477insTT, p.Pro2159_Lys2160insTer (NM_001371.4).
Identifiers: ClinVar variation 4753009 (VCV004753009.1).
Genomic context (GRCh38, chr6:38,872,672, plus strand): 5'-CGATTCTAATGAAGGCGCAAACAGAATGCGGAAGGCCTCATAGAGAAATGCGAATGAATC[C>CTT]AAAAGCCATTACTGCACCTCAGATGTTTGGCAGACTGGACACTGCTACCAATGACTGGAC-3'

ClinVar aggregate classification (germline): Pathogenic (1 of 4 stars; one submission).

Conditions:
Primary ciliary dyskinesia. Also called: Ciliary dyskinesia. Identifiers: Orphanet 244, MedGen C0008780, MONDO:0016575, HP:0012265.

Submission:

Labcorp Genetics (formerly Invitae), Labcorp
Classification: Pathogenic for Primary ciliary dyskinesia. Last evaluated: 2025-06-05. Review status: criteria provided, single submitter. Criteria: Invitae Variant Classification Sherloc (09022015). Collection method: clinical testing. Allele origin: germline.
Comment: This sequence change creates a premature translational stop signal (p.Lys2377*) in the DNAH8 gene. It is expected to result in an absent or disrupted protein product. Loss-of-function variants in DNAH8 are known to be pathogenic (PMID: 24307375, 32619401, 32681648). This variant is not present in population databases (gnomAD no frequency). This variant has not been reported in the literature in individuals affected with DNAH8-related conditions. Algorithms developed to predict the effect of sequence changes on RNA splicing suggest that this variant may disrupt the consensus splice site. For these reasons, this variant has been classified as Pathogenic.

Literature cited by the submitters: PubMed 24307375; PubMed 32619401; PubMed 32681648.